The following is an entry in ClinVar:

NM_000814.6(GABRB3):c.1090C>T (p.His364Tyr)

Gene: GABRB3 (gamma-aminobutyric acid type A receptor subunit beta3; minus strand). Cytogenetic location: 15q12.
Variant type: single nucleotide variant.
Coding change: c.1090C>T on transcript NM_000814.6 (MANE Select); coding-DNA position 1090, C replaced by T.
Protein change: p.His364Tyr; replaces histidine 364 with tyrosine.
Molecular consequence: missense variant.
Genome position (GRCh38, 1-based): chr15:26,548,125, G>A on the plus strand (C>T on the coding strand, the complement: GABRB3 is on the minus strand). VCF-style: chr15-26548125-G-A. GRCh37 (hg19) VCF-style: chr15-26793272-G-A.
Other names: c.835C>T, p.His279Tyr (NM_001191320.2, NM_001278631.2); c.877C>T, p.His293Tyr (NM_001191321.3); c.1090C>T, p.His364Tyr (NM_021912.5); short protein forms H279Y, H293Y, H364Y.
Identifiers: ClinVar variation 2944317 (VCV002944317.3), dbSNP rs1171643037, ClinGen allele CA391459445.

ClinVar aggregate classification (germline): Uncertain significance (1 of 4 stars; one submission).

Conditions:
Epilepsy, childhood absence, susceptibility to, 5. Identifiers: Orphanet 64280, MedGen C2677087, MONDO:0012843, OMIM 612269.
Epilepsy, childhood absence, susceptibility to, 1. Also called: Epilepsy, childhood absence 1. Identifiers: Orphanet 64280, MedGen C1838604, MONDO:0020759, OMIM 600131.

Submission:

Labcorp Genetics (formerly Invitae), Labcorp
Classification: Uncertain significance for Epilepsy, childhood absence, susceptibility to, 5; Epilepsy, childhood absence, susceptibility to, 1. Last evaluated: 2025-02-25. Review status: criteria provided, single submitter. Criteria: Invitae Variant Classification Sherloc (09022015). Collection method: clinical testing. Allele origin: germline.
Comment: This sequence change replaces histidine, which is basic and polar, with tyrosine, which is neutral and polar, at codon 364 of the GABRB3 protein (p.His364Tyr). This variant is present in population databases (no rsID available, gnomAD 0.0009%). This variant has not been reported in the literature in individuals affected with GABRB3-related conditions. ClinVar contains an entry for this variant (Variation ID: 2944317). Invitae Evidence Modeling of protein sequence and biophysical properties (such as structural, functional, and spatial information, amino acid conservation, physicochemical variation, residue mobility, and thermodynamic stability) indicates that this missense variant is not expected to disrupt GABRB3 protein function with a negative predictive value of 95%. In summary, the available evidence is currently insufficient to determine the role of this variant in disease. Therefore, it has been classified as a Variant of Uncertain Significance.